The following is an entry in ClinVar:

ClinVar aggregate classification (germline): Uncertain significance (1 of 4 stars; one submission).

Conditions:
Long QT syndrome (LQTS). Identifiers: MedGen C0023976, MeSH D008133, MONDO:0002442. Disease mechanism: loss of function. Inheritance: Various modes of inheritance.

Submission:

Labcorp Genetics (formerly Invitae), Labcorp
Classification: Uncertain significance for Long QT syndrome. Last evaluated: 2021-08-03. Review status: criteria provided, single submitter. Criteria: Invitae Variant Classification Sherloc (09022015). Collection method: clinical testing. Allele origin: germline.
Comment: In summary, the available evidence is currently insufficient to determine the role of this variant in disease. Therefore, it has been classified as a Variant of Uncertain Significance. Algorithms developed to predict the effect of missense changes on protein structure and function (SIFT, PolyPhen-2, Align-GVGD) all suggest that this variant is likely to be tolerated. This variant has not been reported in the literature in individuals affected with AKAP9-related conditions. This variant is not present in population databases (ExAC no frequency). This sequence change replaces glutamic acid with lysine at codon 96 of the AKAP9 protein (p.Glu96Lys). The glutamic acid residue is weakly conserved and there is a small physicochemical difference between glutamic acid and lysine.

NM_005751.5(AKAP9):c.286G>A (p.Glu96Lys)

Gene: AKAP9 (A-kinase anchoring protein 9; plus strand). Cytogenetic location: 7q21.2.
Variant type: single nucleotide variant.
Coding change: c.286G>A on transcript NM_005751.5 (MANE Select); coding-DNA position 286, G replaced by A.
Protein change: p.Glu96Lys; replaces glutamic acid 96 with lysine.
Molecular consequence: missense variant.
Genome position (GRCh38, 1-based): chr7:91,973,948, G>A. VCF-style: chr7-91973948-G-A. GRCh37 (hg19) VCF-style: chr7-91603262-G-A.
Other names: c.286G>A, p.Glu96Lys (NM_147185.3); short protein forms E96K.
Identifiers: ClinVar variation 1509852 (VCV001509852.6), dbSNP rs2130563549, ClinGen allele CA368118874.